The following is an entry in ClinVar:

ClinVar aggregate classification (germline): Uncertain significance (1 of 4 stars; one submission).

Conditions:
Tuberous sclerosis 1 (TSC1). Identifiers: Orphanet 805, MedGen C1854465, MONDO:0008612, OMIM 191100.

Submission:

Labcorp Genetics (formerly Invitae), Labcorp
Classification: Uncertain significance for Tuberous sclerosis 1. Last evaluated: 2022-06-19. Review status: criteria provided, single submitter. Criteria: Invitae Variant Classification Sherloc (09022015). Collection method: clinical testing. Allele origin: germline.
Comment: In summary, the available evidence is currently insufficient to determine the role of this variant in disease. Therefore, it has been classified as a Variant of Uncertain Significance. ClinVar contains an entry for this variant (Variation ID: 1019625). Algorithms developed to predict the effect of missense changes on protein structure and function are either unavailable or do not agree on the potential impact of this missense change (SIFT: "Deleterious"; PolyPhen-2: "Probably Damaging"; Align-GVGD: "Class C0"). Algorithms developed to predict the effect of sequence changes on RNA splicing suggest that this variant may create or strengthen a splice site. This sequence change replaces methionine, which is neutral and non-polar, with arginine, which is basic and polar, at codon 194 of the TSC1 protein (p.Met194Arg). This variant is not present in population databases (gnomAD no frequency). This variant has not been reported in the literature in individuals affected with TSC1-related conditions.

NM_000368.5(TSC1):c.581T>G (p.Met194Arg)

Gene: TSC1 (TSC complex subunit 1; minus strand). Cytogenetic location: 9q34.13.
Variant type: single nucleotide variant.
Coding change: c.581T>G on transcript NM_000368.5 (MANE Select); coding-DNA position 581, T replaced by G.
Protein change: p.Met194Arg; replaces methionine 194 with arginine.
Molecular consequence: missense variant.
Genome position (GRCh38, 1-based): chr9:132,921,901, A>C on the plus strand (T>G on the coding strand, the complement: TSC1 is on the minus strand). VCF-style: chr9-132921901-A-C. GRCh37 (hg19) VCF-style: chr9-135797288-A-C.
Other names: c.581T>G, p.Met194Arg (NM_001162426.2); c.428T>G, p.Met143Arg (NM_001162427.2); c.218T>G, p.Met73Arg (NM_001362177.2); short protein forms M143R, M194R, M73R.
Identifiers: ClinVar variation 1019625 (VCV001019625.8), dbSNP rs746188529, ClinGen allele CA375372624.